The following is an entry in ClinVar:

ClinVar aggregate classification (germline): Uncertain significance. Review status: criteria provided, multiple submitters, no conflicts (2 of 4 stars). 4 submissions from 4 submitters: Uncertain significance (4). Last evaluated 2025-12-21.

Conditions:
Hereditary cancer-predisposing syndrome. Also called: Neoplastic Syndromes, Hereditary; Hereditary neoplastic syndrome; Tumor predisposition; Hereditary Cancer Syndrome. Identifiers: Orphanet 140162, MedGen C0027672, MeSH D009386, MONDO:0015356.
Colorectal cancer. Also called: Colorectal cancer, somatic; Malignant Colorectal Neoplasm. Identifiers: MedGen C0346629, MONDO:0005575, OMIM 114500.
Oligodontia-cancer predisposition syndrome. Also called: TOOTH AGENESIS-COLORECTAL CANCER SYNDROME. Identifiers: Orphanet 300576, MedGen C1837750, MONDO:0012075, OMIM 608615. Disease mechanism: loss of function.

Allele frequency attached by ClinVar (database versions not stated): TOPMed below 0.00001; gnomAD 0.00001; ExAC 0.00003.

Submissions (4):

Labcorp Genetics (formerly Invitae), Labcorp
Classification: Uncertain significance for Oligodontia-cancer predisposition syndrome. Last evaluated: 2025-12-21. Review status: criteria provided, single submitter. Criteria: Invitae Variant Classification Sherloc (09022015). Collection method: clinical testing. Allele origin: germline.
Comment: This sequence change replaces arginine, which is basic and polar, with histidine, which is basic and polar, at codon 465 of the AXIN2 protein (p.Arg465His). The frequency data for this variant in the population databases is considered unreliable, as metrics indicate poor data quality at this position in the gnomAD database. This missense change has been observed in individual(s) with colonic polyposis (PMID: 34817745). ClinVar contains an entry for this variant (Variation ID: 239986). Invitae Evidence Modeling of protein sequence and biophysical properties (such as structural, functional, and spatial information, amino acid conservation, physicochemical variation, residue mobility, and thermodynamic stability) indicates that this missense variant is not expected to disrupt AXIN2 protein function with a negative predictive value of 80%. In summary, the available evidence is currently insufficient to determine the role of this variant in disease. Therefore, it has been classified as a Variant of Uncertain Significance.

Ambry Genetics
Classification: Uncertain significance for Hereditary cancer-predisposing syndrome. Last evaluated: 2025-03-10. Review status: criteria provided, single submitter. Criteria: Ambry Variant Classification Scheme 2023. Collection method: clinical testing. Allele origin: germline.
Comment: The p.R465H variant (also known as c.1394G>A), located in coding exon 5 of the AXIN2 gene, results from a G to A substitution at nucleotide position 1394. The arginine at codon 465 is replaced by histidine, an amino acid with highly similar properties. This amino acid position is well conserved in available vertebrate species. In addition, this alteration is predicted to be tolerated by in silico analysis. Since supporting evidence is limited at this time, the clinical significance of this alteration remains unclear.

GeneDx
Classification: Uncertain significance. Last evaluated: 2024-05-14. Review status: criteria provided, single submitter. Criteria: GeneDx Variant Classification Process June 2021. Collection method: clinical testing. Allele origin: germline. Affected: yes.
Comment: Not observed at significant frequency in large population cohorts (gnomAD); In silico analysis supports that this missense variant has a deleterious effect on protein structure/function; Has not been previously published as pathogenic or benign to our knowledge; This variant is associated with the following publications: (PMID: 34817745, 15735151)

Baylor Genetics
Classification: Uncertain significance for Colorectal cancer. Last evaluated: 2023-08-29. Review status: criteria provided, single submitter. Criteria: ACMG Guidelines, 2015. Collection method: clinical testing. Allele origin: unknown.

Literature cited by the submitters: PubMed 34817745 (cited by Labcorp Genetics (formerly Invitae), Labcorp).

NM_004655.4(AXIN2):c.1394G>A (p.Arg465His)

Gene: AXIN2 (axin 2; minus strand). Cytogenetic location: 17q24.1.
Variant type: single nucleotide variant.
Coding change: c.1394G>A on transcript NM_004655.4 (MANE Select); coding-DNA position 1394, G replaced by A.
Protein change: p.Arg465His; replaces arginine 465 with histidine.
Molecular consequence: missense variant.
Genome position (GRCh38, 1-based): chr17:65,537,642, C>T on the plus strand (G>A on the coding strand, the complement: AXIN2 is on the minus strand). VCF-style: chr17-65537642-C-T. GRCh37 (hg19) VCF-style: chr17-63533760-C-T.
Other names: c.1394G>A (LRG_296t1); c.1394G>A, p.Arg465His (NM_001363813.1); short protein forms R465H.
Identifiers: ClinVar variation 239986 (VCV000239986.17), dbSNP rs764640447, ClinGen allele CA8718659.
Genomic context (GRCh38, chr17:65,537,642, plus strand): 5'-CCACCGGGCGGGAGCAGGGAGTGGTACTGCGAATGGTGGTGGTGGTGGTGGTCCGGGGAG[C>T]GGGAGCGGGGGCTATAGCGGCCTACGCCTGGAGACTGGCAGCCAGGGGTCTTGAGGACCC-3'
Protein context (NP_004646.3, residues 455-475): PGVGRYSPRS[Arg465His]SPDHHHHHHS